The following is an entry in ClinVar:

ClinVar aggregate classification (germline): Uncertain significance (1 of 4 stars; one submission).

Submission:

GeneDx
Classification: Uncertain significance. Last evaluated: 2022-05-06. Review status: criteria provided, single submitter. Criteria: GeneDx Variant Classification Process June 2021. Collection method: clinical testing. Allele origin: germline. Affected: yes.
Comment: Not observed at significant frequency in large population cohorts (gnomAD); In silico analysis supports that this missense variant has a deleterious effect on protein structure/function; Has not been previously published as pathogenic or benign to our knowledge

NM_000193.4(SHH):c.602G>T (p.Gly201Val)

Gene: SHH (sonic hedgehog signaling molecule; minus strand). Cytogenetic location: 7q36.3.
Variant type: single nucleotide variant.
Coding change: c.602G>T on transcript NM_000193.4 (MANE Select); coding-DNA position 602, G replaced by T.
Protein change: p.Gly201Val; replaces glycine 201 with valine.
Molecular consequence: missense variant. On other transcripts: intron variant (1).
Genome position (GRCh38, 1-based): chr7:155,803,687, C>A on the plus strand (G>T on the coding strand, the complement: SHH is on the minus strand). VCF-style: chr7-155803687-C-A. GRCh37 (hg19) VCF-style: chr7-155596381-C-A.
Other names: c.301+2609G>T (NM_001310462.2); short protein forms G201V.
Identifiers: ClinVar variation 1722986 (VCV001722986.2), dbSNP rs2535894785, ClinGen allele CA370146696.
Genomic context (GRCh38, chr7:155,803,687, plus strand): 5'-CCGGGGCTCAGGTCCTTCACCAGCTTGGTGCCGCCCTGCTCCAGGTGCACCGTGGCCGAG[C>A]CCGGGAAGCAGCCTCCCGATTTGGCCGCCACCGAGTTCTCTGCGGGTGAGGAGAAGGGAA-3'
Protein context (NP_000184.1, residues 191-211): VAAKSGGCFP[Gly201Val]SATVHLEQGG